The following is an entry in ClinVar:

NM_152594.3(SPRED1):c.33-1G>A

Gene: SPRED1 (sprouty related EVH1 domain containing 1; plus strand). Cytogenetic location: 15q14.
Variant type: single nucleotide variant.
Coding change: c.33-1G>A on transcript NM_152594.3 (MANE Select); the canonical splice acceptor site of the intron before coding-DNA position 33, G replaced by A.
Molecular consequence: splice acceptor variant.
Genome position (GRCh38, 1-based): chr15:38,299,372, G>A. VCF-style: chr15-38299372-G-A. GRCh37 (hg19) VCF-style: chr15-38591573-G-A.
Identifiers: ClinVar variation 1298611 (VCV001298611.43), dbSNP rs1895105626, ClinGen allele CA391933714.

ClinVar aggregate classification (germline): Conflicting classifications of pathogenicity. Review status: criteria provided, conflicting classifications (1 of 4 stars). 4 submissions from 4 submitters: Likely pathogenic (2); Uncertain significance (2). Last evaluated 2026-02-01.

Conditions:
Legius syndrome. Identifiers: Orphanet 137605, MedGen C1969623, MONDO:0012669, OMIM 611431. Disease mechanism: loss of function.

Allele frequency attached by ClinVar (database versions not stated): gnomAD exomes below 0.00001; TOPMed below 0.00001; gnomAD 0.00001.
gnomAD v4.1: 4 of 1,613,630 alleles (0.00025%); highest among the groups gnomAD compares: Non-Finnish European, 0.00034%; no homozygotes.

Submissions (4):

CeGaT Center for Human Genetics Tuebingen
Classification: Uncertain significance. Last evaluated: 2026-02-01. Review status: criteria provided, single submitter. Criteria: CeGaT Center For Human Genetics Tuebingen Variant Classification Criteria Version 2. Collection method: clinical testing. Allele origin: germline. Affected: yes. Observed: 2 variant alleles.
Comment: SPRED1: PVS1:Moderate

Labcorp Genetics (formerly Invitae), Labcorp
Classification: Likely pathogenic for Legius syndrome. Last evaluated: 2026-01-25. Review status: criteria provided, single submitter. Criteria: Invitae Variant Classification Sherloc (09022015). Collection method: clinical testing. Allele origin: germline.
Comment: This sequence change affects an acceptor splice site in intron 1 of the SPRED1 gene. It is expected to disrupt RNA splicing. Variants that disrupt the donor or acceptor splice site typically lead to a loss of protein function (PMID: 16199547), and loss-of-function variants in SPRED1 are known to be pathogenic (PMID: 17704776). This variant is not present in population databases (gnomAD no frequency). This variant has not been reported in the literature in individuals affected with SPRED1-related conditions. ClinVar contains an entry for this variant (Variation ID: 1298611). Algorithms developed to predict the effect of sequence changes on RNA splicing suggest that this variant may disrupt the consensus splice site. In summary, the currently available evidence indicates that the variant is pathogenic, but additional data are needed to prove that conclusively. Therefore, this variant has been classified as Likely Pathogenic.

Department of Genetics, Rouen University Hospital, Normandy Center for Genomic and Personalized Medicine
Classification: Uncertain significance for Legius syndrome. Last evaluated: 2025-11-27. Review status: criteria provided, single submitter. Criteria: ACMG Guidelines, 2015. Collection method: clinical testing. Allele origin: maternal. Affected: yes.

Institute for Genomic Medicine (IGM) Clinical Laboratory, Nationwide Children's Hospital
Classification: Likely pathogenic for Legius syndrome. Last evaluated: 2025-02-12. Review status: criteria provided, single submitter. Criteria: ACMG Guidelines, 2015. Collection method: clinical testing. Allele origin: germline.
Comment: This variant is predicted to result in loss of function through nonsense-mediated decay of the encoded transcript or premature truncation of the encoded protein in a gene in which loss of function is a known mechanism of disease (ACMG/AMP: PVS1; PMIDs:17704776, 22753041). This variant is absent from or present at an exceedingly low frequency in gnomAD, a large-scale control population database (ACMG/AMP: PM2).

Literature cited by the submitters: PubMed 16199547 (cited by Labcorp Genetics (formerly Invitae), Labcorp); PubMed 17704776 (cited by Labcorp Genetics (formerly Invitae), Labcorp and Institute for Genomic Medicine (IGM) Clinical Laboratory, Nationwide Children's Hospital); PubMed 22753041 (cited by Institute for Genomic Medicine (IGM) Clinical Laboratory, Nationwide Children's Hospital).